The following is an entry in ClinVar:

ClinVar aggregate classification (germline): Conflicting classifications of pathogenicity. Review status: criteria provided, conflicting classifications (1 of 4 stars). 9 submissions from 9 submitters: Uncertain significance (1); Likely benign (8). Last evaluated 2026-07-01.

Conditions:
TTN-related disorder. Also called: TTN-related disorders; TTN-related condition; TTN-related disease.
Cardiovascular phenotype. Identifiers: MedGen CN230736.
Autosomal recessive limb-girdle muscular dystrophy type 2J (LGMDR10). Also called: Limb-girdle muscular dystrophy, type 2J; MUSCULAR DYSTROPHY, LIMB-GIRDLE, AUTOSOMAL RECESSIVE 10. Identifiers: Orphanet 140922, MedGen C1837342, MONDO:0012127, OMIM 608807.
Dilated cardiomyopathy 1G (CMD1G). Identifiers: Orphanet 154, MedGen C1858763, MONDO:0011400, OMIM 604145.

Allele frequency attached by ClinVar (database versions not stated): gnomAD 0.00014 and 0.00012; TOPMed 0.00014; 1000 Genomes Project 30x 0.00016; 1000 Genomes Project 0.00020; ESP Exome Variant Server 0.00008.
gnomAD v4.1: 112 of 1,613,648 alleles (0.0069%); highest among the groups gnomAD compares: Middle Eastern, 0.05%; 1 homozygote.

Submissions (9):

CeGaT Center for Human Genetics Tuebingen
Classification: Likely benign. Last evaluated: 2026-07-01. Review status: criteria provided, single submitter. Criteria: CeGaT Center For Human Genetics Tuebingen Variant Classification Criteria Version 2. Collection method: clinical testing. Allele origin: germline. Affected: yes. Observed: 6 variant alleles.
Comment: TTN: BP4, BP7

Labcorp Genetics (formerly Invitae), Labcorp
Classification: Likely benign for Dilated cardiomyopathy 1G; Autosomal recessive limb-girdle muscular dystrophy type 2J. Last evaluated: 2026-01-27. Review status: criteria provided, single submitter. Criteria: Invitae Variant Classification Sherloc (09022015). Collection method: clinical testing. Allele origin: germline.

PreventionGenetics, part of Exact Sciences
Classification: Likely benign for TTN-related condition. Last evaluated: 2025-05-14. Review status: criteria provided, single submitter. Criteria: ACMG Guidelines, 2015. Collection method: clinical testing. Allele origin: germline.
Comment: This variant is classified as likely benign based on ACMG/AMP sequence variant interpretation guidelines (Richards et al. 2015 PMID: 25741868, with internal and published modifications).

Molecular Diagnostic Laboratory for Inherited Cardiovascular Disease, Montreal Heart Institute
Classification: Likely benign. Last evaluated: 2025-04-09. Review status: criteria provided, single submitter. Criteria: ACMG Guidelines, 2015. Collection method: clinical testing. Allele origin: germline. Affected: no.

Blueprint Genetics
Classification: Likely benign. Last evaluated: 2024-04-17. Review status: criteria provided, single submitter. Criteria: ACMG Guidelines, 2015. Collection method: clinical testing. Allele origin: germline.

Revvity Omics, Revvity
Classification: Likely benign. Last evaluated: 2024-01-18. Review status: criteria provided, single submitter. Criteria: ACMG Guidelines, 2015. Collection method: clinical testing. Allele origin: germline.

GeneDx
Classification: Likely benign. Last evaluated: 2019-03-11. Review status: criteria provided, single submitter. Criteria: GeneDx Variant Classification Process June 2021. Collection method: clinical testing. Allele origin: germline. Affected: yes.

Ambry Genetics
Classification: Likely benign for Cardiovascular phenotype. Last evaluated: 2016-05-20. Review status: criteria provided, single submitter. Criteria: Ambry Variant Classification Scheme 2023. Collection method: clinical testing. Allele origin: germline.

Eurofins Ntd Llc (ga)
Classification: Uncertain significance. Last evaluated: 2015-09-15. Review status: criteria provided, single submitter. Criteria: EGL Classification Definitions 2015. Collection method: clinical testing. Allele origin: germline. Observed: 3 variant alleles, 3 heterozygotes.

NM_001267550.2(TTN):c.86025G>A (p.Pro28675=)

Genes: TTN (titin; minus strand), TTN-AS1 (TTN antisense RNA 1; plus strand). Cytogenetic location: 2q31.2.
Variant type: single nucleotide variant.
Coding change: c.86025G>A on transcript NM_001267550.2 (MANE Select); coding-DNA position 86025, G replaced by A.
Protein change: p.Pro28675=; no amino-acid change (proline 28675 retained).
Molecular consequence: synonymous variant.
Genome position (GRCh38, 1-based): chr2:178,560,107, C>T on the plus strand (G>A on the coding strand, the complement: TTN is on the minus strand). VCF-style: chr2-178560107-C-T. GRCh37 (hg19) VCF-style: chr2-179424834-C-T.
Other names: c.81102G>A, p.Pro27034= (NM_001256850.1); c.58830G>A, p.Pro19610= (NM_003319.4); c.78321G>A, p.Pro26107= (NM_133378.4); c.59205G>A, p.Pro19735= (NM_133432.3); c.59406G>A, p.Pro19802= (NM_133437.4).
Identifiers: ClinVar variation 167764 (VCV000167764.88), dbSNP rs369528150, ClinGen allele CA235054.
Genomic context (GRCh38, chr2:178,560,107, plus strand): 5'-GTCATCAGATTTTTTGTATTCTACAGTATATCCAGTTATCGGGGCCCCACCATCAAACAG[C>T]GGCTTAACCCAGGCAATAGTTATAGTTGTCTTGCCTGAGTCCACAATTTTGGGTTTGGAT-3'
Protein context (NP_001254479.2, residues 28665-28685): KTTITIAWVK[Pro28675=]LFDGGAPITG